The following is an entry in ClinVar:

NM_000059.4(BRCA2):c.8934_8935delinsC (p.Glu2981fs)

Gene: BRCA2 (BRCA2 DNA repair associated; plus strand). Cytogenetic location: 13q13.1.
Variant type: Indel.
Coding change: c.8934_8935delinsC on transcript NM_000059.4 (MANE Select); coding-DNA positions 8934 to 8935, AA replaced by C.
Protein change: p.Glu2981fs; shifts the reading frame from glutamic acid 2981.
Molecular consequence: frameshift variant. On other transcripts: non-coding transcript variant (1).
Genome position (GRCh38, 1-based): chr13:32,379,496-32,379,497, AA replaced by C. VCF-style: chr13-32379496-AA-C. GRCh37 (hg19) VCF-style: chr13-32953633-AA-C.
Other names: c.8838_8839delinsC, p.Glu2949fs (NM_001406719.1); c.8934_8935delinsC, p.Glu2981fs (NM_001406720.1); c.4002_4003delinsC, p.Glu1337fs (NM_001406721.1); c.2517_2518delinsC, p.Glu842fs (NM_001406722.1); short protein forms E2949fs, E1337fs, E842fs, E2981fs.
Identifiers: ClinVar variation 2873269 (VCV002873269.4), dbSNP rs2548555301, ClinGen allele CA2739277525.
Genomic context (GRCh38, chr13:32,379,496, plus strand): 5'-GGAACAAGGTTTATCAAGGGATGTCACAACCGTGTGGAAGTTGCGTATTGTAAGCTATTC[AA>C]AAAAAGAAAAAGATTCAGGTAAGTATGTAAATGCTTTGTTTTTATCAGTTTTATTAACTT-3'

ClinVar aggregate classification (germline): Pathogenic. Review status: criteria provided, multiple submitters, no conflicts (2 of 4 stars). 2 submissions from 2 submitters: Pathogenic (2). Last evaluated 2025-10-16.

Conditions:
Breast-ovarian cancer, familial, susceptibility to, 2 (BROVCA2). Also called: BRCA2 Hereditary Breast and Ovarian Cancer. Identifiers: Orphanet 145, MedGen C2675520, MONDO:0012933, OMIM 612555. Disease mechanism: loss of function.
Hereditary breast ovarian cancer syndrome. Also called: Breast and ovarian cancer; Hereditary breast and/or ovarian cancer syndrome; Hereditary breast and ovarian cancer syndrome; Hereditary breast and ovarian cancer syndrome (HBOC); BRCA1- and BRCA2-Associated Hereditary Breast and Ovarian Cancer; Hereditary breast and ovarian cancer. Identifiers: Orphanet 145, MedGen C0677776, MeSH D061325, MONDO:0003582. Disease mechanism: loss of function.

Submissions (2):

Myriad Genetics, Inc.
Classification: Pathogenic for Breast-ovarian cancer, familial, susceptibility to, 2. Last evaluated: 2025-10-16. Review status: criteria provided, single submitter. Criteria: Myriad Autosomal Dominant, Autosomal Recessive and X-Linked Classification Criteria (2023). Collection method: clinical testing. Allele origin: unknown.
Comment: This variant is considered pathogenic. This variant creates a frameshift predicted to result in premature protein truncation.

Labcorp Genetics (formerly Invitae), Labcorp
Classification: Pathogenic for Hereditary breast ovarian cancer syndrome. Last evaluated: 2021-10-24. Review status: criteria provided, single submitter. Criteria: Invitae Variant Classification Sherloc (09022015). Collection method: clinical testing. Allele origin: germline.
Comment: For these reasons, this variant has been classified as Pathogenic. This premature translational stop signal has been observed in individual(s) with breast cancer (PMID: 26824983). This variant is not present in population databases (ExAC no frequency). This sequence change creates a premature translational stop signal (p.Glu2981Lysfs*7) in the BRCA2 gene. It is expected to result in an absent or disrupted protein product. Loss-of-function variants in BRCA2 are known to be pathogenic (PMID: 20104584).

Literature cited by the submitters: PubMed 26824983 (cited by Labcorp Genetics (formerly Invitae), Labcorp); PubMed 20104584 (cited by Labcorp Genetics (formerly Invitae), Labcorp).